The following is an entry in ClinVar:

NM_001378120.1(MBD5):c.3674T>C (p.Leu1225Pro)

Gene: MBD5 (methyl-CpG binding domain protein 5; plus strand). Cytogenetic location: 2q23.1.
Variant type: single nucleotide variant.
Coding change: c.3674T>C on transcript NM_001378120.1 (MANE Select); coding-DNA position 3674, T replaced by C.
Protein change: p.Leu1225Pro; replaces leucine 1225 with proline.
Molecular consequence: missense variant.
Genome position (GRCh38, 1-based): chr2:148,485,871, T>C. VCF-style: chr2-148485871-T-C. GRCh37 (hg19) VCF-style: chr2-149243440-T-C.
Other names: c.3674T>C, p.Leu1225Pro (NM_001438854.1, NM_001438856.1, NM_001438857.1 and 1 more transcripts); c.2975T>C, p.Leu992Pro (NM_001438855.1, NM_001438859.1, NM_001438860.1 and 3 more transcripts); short protein forms L992P, L1225P.
Identifiers: ClinVar variation 4717083 (VCV004717083.1).

ClinVar aggregate classification (germline): Uncertain significance (1 of 4 stars; one submission).

Conditions:
Intellectual developmental disorder, autosomal dominant 1. Also called: MBD5 Haploinsufficiency; Intellectual disability, autosomal dominant 1. Identifiers: Orphanet 228402, MedGen C1969562, MONDO:0007974, OMIM 156200.

Submission:

Labcorp Genetics (formerly Invitae), Labcorp
Classification: Uncertain significance for Intellectual developmental disorder, autosomal dominant 1. Last evaluated: 2025-06-12. Review status: criteria provided, single submitter. Criteria: Invitae Variant Classification Sherloc (09022015). Collection method: clinical testing. Allele origin: germline.
Comment: This sequence change replaces leucine, which is neutral and non-polar, with proline, which is neutral and non-polar, at codon 992 of the MBD5 protein (p.Leu992Pro). This variant is not present in population databases (gnomAD no frequency). This variant has not been reported in the literature in individuals affected with MBD5-related conditions. Invitae Evidence Modeling of protein sequence and biophysical properties (such as structural, functional, and spatial information, amino acid conservation, physicochemical variation, residue mobility, and thermodynamic stability) indicates that this missense variant is not expected to disrupt MBD5 protein function with a negative predictive value of 80%. In summary, the available evidence is currently insufficient to determine the role of this variant in disease. Therefore, it has been classified as a Variant of Uncertain Significance.